The following is an entry in ClinVar:

NM_000038.6(APC):c.2544dup (p.Asp849fs)

Gene: APC (APC regulator of Wnt signaling pathway; plus strand). Cytogenetic location: 5q22.2.
Variant type: Duplication.
Coding change: c.2544dup on transcript NM_000038.6 (MANE Select); coding-DNA position 2544, one base duplicated (A; older notation c.2544dupA).
Protein change: p.Asp849fs; shifts the reading frame from aspartic acid 849.
Molecular consequence: frameshift variant.
Genome position (GRCh38, 1-based): chr5:112,838,138, A duplicated; the last of 5 consecutive A bases (chr5:112,838,134-112,838,138); duplicating any one gives the same sequence. VCF-style (leftmost placement, unchanged base first): chr5-112838133-G-GA. GRCh37 (hg19) VCF-style: chr5-112173830-G-GA.
Other names: c.2544dup, p.Asp849fs (NM_001127510.3, NM_001354895.2); c.2490dup, p.Asp831fs (NM_001127511.3); c.2598dup, p.Asp867fs (NM_001354896.2); c.2574dup, p.Asp859fs (NM_001354897.2); c.2469dup, p.Asp824fs (NM_001354898.2); c.2460dup, p.Asp821fs (NM_001354899.2); c.2421dup, p.Asp808fs (NM_001354900.2); c.2367dup, p.Asp790fs (NM_001354901.2); and 5 more; short protein forms D566fs, D689fs, D723fs, D748fs, D758fs, D790fs, D808fs, D821fs.
Identifiers: ClinVar variation 1343339 (VCV001343339.6), dbSNP rs2149871984, ClinGen allele CA445962840.

ClinVar aggregate classification (germline): Pathogenic. Review status: criteria provided, multiple submitters, no conflicts (2 of 4 stars). 2 submissions from 2 submitters: Pathogenic (2). Last evaluated 2023-05-04.

Conditions:
Familial adenomatous polyposis 1 (FAP1). Also called: POLYPOSIS, ADENOMATOUS INTESTINAL; FAMILIAL ADENOMATOUS POLYPOSIS 1, ATTENUATED. Identifiers: MedGen C2713442, MONDO:0021056, OMIM 175100. Disease mechanism: loss of function.

Submissions (2):

Myriad Genetics, Inc.
Classification: Pathogenic for Familial adenomatous polyposis 1. Last evaluated: 2023-05-04. Review status: criteria provided, single submitter. Criteria: Myriad Autosomal Dominant, Autosomal Recessive and X-Linked Classification Criteria (2023). Collection method: clinical testing. Allele origin: unknown.
Comment: This variant is considered pathogenic. This variant creates a frameshift predicted to result in premature protein truncation.

University of Science and Technology Houari Boumediene, Laboratory of Molecular and Cellular Biology (LBCM)
Classification: Pathogenic for Familial adenomatous polyposis 1. Review status: criteria provided, single submitter. Criteria: ACMG Guidelines, 2015. Collection method: clinical testing. Allele origin: germline. Inheritance: Autosomal dominant inheritance. Affected: yes. Observed: 1 heterozygote.

Literature cited by the submitters: PubMed 35142982 (cited by University of Science and Technology Houari Boumediene, Laboratory of Molecular and Cellular Biology (LBCM)).